The following is an entry in ClinVar:

NM_020911.2(PLXNA4):c.3931G>A (p.Gly1311Arg)

Gene: PLXNA4 (plexin A4; minus strand). Cytogenetic location: 7q32.3.
Variant type: single nucleotide variant.
Coding change: c.3931G>A on transcript NM_020911.2 (MANE Select); coding-DNA position 3931, G replaced by A.
Protein change: p.Gly1311Arg; replaces glycine 1311 with arginine.
Molecular consequence: missense variant.
Genome position (GRCh38, 1-based): chr7:132,174,864, C>T on the plus strand (G>A on the coding strand, the complement: PLXNA4 is on the minus strand). VCF-style: chr7-132174864-C-T. GRCh37 (hg19) VCF-style: chr7-131859623-C-T.
Other names: c.3931G>A, p.Gly1311Arg (NM_001393897.1); short protein forms G1311R.
Identifiers: ClinVar variation 4997562 (VCV004997562.1).

ClinVar aggregate classification (germline): Uncertain significance (1 of 4 stars; one submission).

Conditions:
PLXNA4-related disorder. Also called: PLXNA4-related condition.

gnomAD v4.1: 11 of 1,614,048 alleles (0.00068%); highest among the groups gnomAD compares: Admixed American, 0.0017%; no homozygotes.

Submission:

PreventionGenetics, part of Exact Sciences
Classification: Uncertain significance for PLXNA4-related condition. Last evaluated: 2025-01-16. Review status: criteria provided, single submitter. Criteria: ACMG Guidelines, 2015. Collection method: clinical testing. Allele origin: germline.
Comment: The PLXNA4 c.3931G>A variant is predicted to result in the amino acid substitution p.Gly1311Arg. To our knowledge, this variant has not been reported in the literature. This variant is reported in 0.0028% of alleles in individuals of Latino descent in gnomAD. At this time, the clinical significance of this variant is uncertain due to the absence of conclusive functional and genetic evidence.